The following is an entry in ClinVar:

NM_000135.4(FANCA):c.786G>A (p.Met262Ile)

Gene: FANCA (FA complementation group A; minus strand). Cytogenetic location: 16q24.3.
Variant type: single nucleotide variant.
Coding change: c.786G>A on transcript NM_000135.4 (MANE Select); coding-DNA position 786, G replaced by A.
Protein change: p.Met262Ile; replaces methionine 262 with isoleucine.
Molecular consequence: missense variant.
Genome position (GRCh38, 1-based): chr16:89,803,265, C>T on the plus strand (G>A on the coding strand, the complement: FANCA is on the minus strand). VCF-style: chr16-89803265-C-T. GRCh37 (hg19) VCF-style: chr16-89869673-C-T.
Other names: c.786G>A, p.Met262Ile (NM_001018112.3, NM_001286167.3); c.690G>A, p.Met230Ile (NM_001351830.2); short protein forms M230I, M262I.
Identifiers: ClinVar variation 3552513 (VCV003552513.2).
Genomic context (GRCh38, chr16:89,803,265, plus strand): 5'-TTGGAATAAGGACGGCTCCTTCCGCTAAACTCTTCACTTGACTTTTCCTCCTACCTGCGG[C>T]ATTTTTTCAGGCTCCACAGTTCTTCTCAGATCTGAGTTTTTCTGAAATCCCCTCAAAACA-3'
Protein context (NP_000126.2, residues 252-272): DLRRTVEPEK[Met262Ile]PQVTVDVLQR

ClinVar aggregate classification (germline): Uncertain significance. Review status: criteria provided, multiple submitters, no conflicts (2 of 4 stars). 2 submissions from 2 submitters: Uncertain significance (2). Last evaluated 2024-08-01.

Conditions:
Fanconi anemia complementation group A (FANCA). Also called: Fanconi anemia, group A; FANCA-Related Fanconi Anemia. Identifiers: Orphanet 84, MedGen C3469521, MONDO:0009215, OMIM 227650.

Submissions (2):

Quest Diagnostics Nichols Institute San Juan Capistrano
Classification: Uncertain significance. Last evaluated: 2024-08-01. Review status: criteria provided, single submitter. Criteria: Quest Diagnostics criteria. Collection method: clinical testing. Allele origin: unknown.
Comment: The FANCA c.786G>A (p.Met262Ile) variant has not been reported in individuals with FANCA-related conditions in the published literature. The frequency of this variant in the general population, 0.000008 (2/251414 chromosomes (Genome Aggregation Database)), is uninformative in the assessment of its pathogenicity. Analysis of this variant using bioinformatics tools for the prediction of the effect of amino acid changes on protein structure and function yielded predictions that this variant is benign. Based on the available information, we are unable to determine the clinical significance of this variant.

Fulgent Genetics
Classification: Uncertain significance for Fanconi anemia complementation group A. Last evaluated: 2023-12-22. Review status: criteria provided, single submitter. Criteria: ACMG Guidelines, 2015. Collection method: clinical testing. Allele origin: germline.